The following is an entry in ClinVar:

NM_173660.5(DOK7):c.1451C>T (p.Pro484Leu)

Gene: DOK7 (docking protein 7; plus strand). Cytogenetic location: 4p16.3.
Variant type: single nucleotide variant.
Coding change: c.1451C>T on transcript NM_173660.5 (MANE Select); coding-DNA position 1451, C replaced by T.
Protein change: p.Pro484Leu; replaces proline 484 with leucine.
Molecular consequence: missense variant. On other transcripts: 3 prime UTR variant (1).
Genome position (GRCh38, 1-based): chr4:3,493,437, C>T. VCF-style: chr4-3493437-C-T. GRCh37 (hg19) VCF-style: chr4-3495164-C-T.
Other names: c.*672C>T (NM_001164673.2); c.521C>T, p.Pro174Leu (NM_001256896.2); c.1451C>T, p.Pro484Leu (NM_001301071.2); c.1019C>T, p.Pro340Leu (NM_001363811.2); short protein forms P484L, P174L, P340L.
Identifiers: ClinVar variation 373639 (VCV000373639.6), dbSNP rs1057518522, ClinGen allele CA16042564.
Genomic context (GRCh38, chr4:3,493,437, plus strand): 5'-CCACACTGCCTGGCCCTGCCCCTGGCGAGCCCTGGGAAGCAGGCGGCCCCCACGCGGGGC[C>T]ACCCCCGGCTTTCTTTTCGGCATGTCCAGTCTGTGGAGGACTCAAGGTAAACCCCCCTCC-3'
Protein context (NP_775931.3, residues 474-494): PWEAGGPHAG[Pro484Leu]PPAFFSACPV

ClinVar aggregate classification (germline): Uncertain significance. Review status: criteria provided, multiple submitters, no conflicts (2 of 4 stars). 2 submissions from 2 submitters: Uncertain significance (2). Last evaluated 2022-02-22.

Conditions:
Fetal akinesia deformation sequence 1 (FADS1). Also called: Pena-Shokeir syndrome type I; Fetal akinesia sequence. Identifiers: Orphanet 994, MedGen C1276035, MONDO:0100101, OMIM 208150, HP:0001989.
Congenital myasthenic syndrome 10. Also called: Myasthenia, limb-girdle, familial. Identifiers: Orphanet 590, MedGen C1850792, MONDO:0009690, OMIM 254300.

Allele frequency attached by ClinVar (database versions not stated): gnomAD exomes below 0.00001 and 0.00004; gnomAD 0.00001; TOPMed 0.00002.
gnomAD v4.1: 53 of 1,606,200 alleles (0.0033%); highest among the groups gnomAD compares: Non-Finnish European, 0.0042%; no homozygotes.

Submissions (2):

Labcorp Genetics (formerly Invitae), Labcorp
Classification: Uncertain significance for Congenital myasthenic syndrome 10; Fetal akinesia deformation sequence 1. Last evaluated: 2022-02-22. Review status: criteria provided, single submitter. Criteria: Invitae Variant Classification Sherloc (09022015). Collection method: clinical testing. Allele origin: germline.
Comment: This sequence change replaces proline, which is neutral and non-polar, with leucine, which is neutral and non-polar, at codon 484 of the DOK7 protein (p.Pro484Leu). The frequency data for this variant in the population databases is considered unreliable, as metrics indicate poor data quality at this position in the gnomAD database. This variant has not been reported in the literature in individuals affected with DOK7-related conditions. ClinVar contains an entry for this variant (Variation ID: 373639). Algorithms developed to predict the effect of missense changes on protein structure and function (SIFT, PolyPhen-2, Align-GVGD) all suggest that this variant is likely to be tolerated. In summary, the available evidence is currently insufficient to determine the role of this variant in disease. Therefore, it has been classified as a Variant of Uncertain Significance.

GeneDx
Classification: Uncertain significance. Last evaluated: 2016-11-28. Review status: criteria provided, single submitter. Criteria: GeneDx Variant Classification (06012015). Collection method: clinical testing. Allele origin: germline. Affected: yes.
Comment: The P484L variant has not been published as a pathogenic variant, nor has it been reported as a benign variant to our knowledge. It was not observed with any significant frequency in the Exome Aggregation Consortium (ExAC) data set, indicating it is not a common benign variant in these populations. The P484L variant is a semi-conservative amino acid substitution, which may impact secondary protein structure as these residues differ in some properties. However, this substitution occurs at a position that is not conserved, and missense variants in nearby residues have not been reported in the Human Gene Mutation Database in association with congenital myasthenia syndrome (Stenson et al., 2014). In silico analysis is inconsistent in its predictions as to whether or not the variant is damaging to the protein structure/function.